The following is an entry in ClinVar:

NM_004937.3(CTNS):c.61_61+2del

Gene: CTNS (cystinosin, lysosomal cystine transporter; plus strand). Cytogenetic location: 17p13.2.
Variant type: Deletion.
Coding change: c.61_61+2del on transcript NM_004937.3 (MANE Select); coding-DNA position 61 through the canonical splice donor site of the intron after coding-DNA position 61, 3 bases deleted (GGT; older notation c.61_61+2delGGT).
Molecular consequence: splice donor variant. On other transcripts: intron variant (2).
Genome position (GRCh38, 1-based): chr17:3,640,267-3,640,269, GGT deleted; deleting any 3 consecutive bases within chr17:3,640,265-3,640,269 gives the same sequence; the c. name uses the placement nearest the transcript's 3' end. VCF-style (leftmost placement, unchanged base first): chr17-3640264-TGTG-T. GRCh37 (hg19) VCF-style: chr17-3543558-TGTG-T.
Other names: c.61_61+2delGGT (NM_004937.2); c.59_61del (NM_004937.3); c.61_61+2del (NM_001031681.3, NM_001374492.1); c.-296_-296+2del (NM_001374493.1); c.-217_-217+2del (NM_001374495.1); c.-381+2951_-381+2953del (NM_001374494.1); c.-296+2951_-296+2953del (NM_001374496.1).
Identifiers: ClinVar variation 852141 (VCV000852141.13), dbSNP rs2075652654, ClinGen allele CA916083519.

ClinVar aggregate classification (germline): Pathogenic/Likely pathogenic. Review status: criteria provided, multiple submitters, no conflicts (2 of 4 stars). 4 submissions from 4 submitters: Pathogenic (3); Likely pathogenic (1). Last evaluated 2024-10-08.

Conditions:
Nephropathic cystinosis (CTNS). Also called: Abderhalden Lignac Kaufmann disease; Abderhalden-Kaufmann-Lignac syndrome; CYSTINOSIN, DEFECT OF; LYSOSOMAL CYSTINE TRANSPORT PROTEIN, DEFECT OF. Identifiers: Orphanet 213, Orphanet 411629, MedGen C2931187, MONDO:0100151, OMIM 219800.
Cystinosis. Also called: Cystine diathesis; Cystine storage disease; Cystinoses. Identifiers: Orphanet 213, MedGen C4316899, MONDO:0016239.
Ocular cystinosis. Also called: Non-Nephropathic (Ocular) Cystinosis; Non-Nephropathic Cystinosis. Identifiers: Orphanet 213, Orphanet 411641, MedGen C2931013, MONDO:0009064, OMIM 219750.
Juvenile nephropathic cystinosis. Also called: CYSTINOSIS, LATE-ONSET JUVENILE OR ADOLESCENT NEPHROPATHIC TYPE; Later-Onset (Juvenile) Cystinosis; Intermediate Cystinosis. Identifiers: Orphanet 213, Orphanet 411634, MedGen C0268626, MONDO:0009066, OMIM 219900.
Inborn genetic diseases. Identifiers: MedGen C0950123, MeSH D030342.

Submissions (4):

MVZ Medizinische Genetik Mainz
Classification: Pathogenic for Nephropathic cystinosis. Last evaluated: 2024-10-08. Review status: criteria provided, single submitter. Criteria: UK Practice Guidelines For Variant Classification V4 01 2020. Collection method: clinical testing. Allele origin: germline. Inheritance: Autosomal recessive inheritance. Affected: yes. Observed: 1 variant allele.
Comment: ACMG Criteria: PVS1_STR,PM3_STR,PM2_SUP,PP4; Compound Heterozygote

Baylor Genetics
Classification: Pathogenic for Nephropathic cystinosis. Last evaluated: 2021-11-11. Review status: criteria provided, single submitter. Criteria: ACMG Guidelines, 2015. Collection method: clinical testing. Allele origin: unknown.

Women's Health and Genetics/Laboratory Corporation of America, LabCorp
Classification: Likely pathogenic for Cystinosis. Last evaluated: 2021-08-15. Review status: criteria provided, single submitter. Criteria: LabCorp Variant Classification Summary - May 2015. Collection method: clinical testing. Allele origin: germline.
Comment: Variant summary: CTNS c.61_61+2delGGT is located in a canonical splice-site and is predicted to affect mRNA splicing resulting in a significantly altered protein due to either exon skipping, shortening, or inclusion of intronic material. Several computational tools predict a significant impact on normal splicing: Four predict the variant abolishes the canonical 5' splicing donor site. Three predict the variant strengthens an alternate cryptic exonic 5' splice donor site. However, these predictions have yet to be confirmed by functional studies. The variant was absent in 251378 control chromosomes. c.61_61+2delGGT has been reported in the literature in at-least two individuals affected with Cystinosis and has been subsequently cited by others (example, Kiehntopf_2002, Rohayem_2019, David_2018). These data indicate that the variant may be associated with disease. To our knowledge, no experimental evidence demonstrating an impact on protein function has been reported. One clinical diagnostic laboratory has submitted clinical-significance assessments for this variant to ClinVar after 2014 and classified the variant as pathogenic citing overlapping but not identical evidence utilized in the context of this evaluation. Based on the evidence outlined above, the variant was classified as likely pathogenic.

Labcorp Genetics (formerly Invitae), Labcorp
Classification: Pathogenic for Inborn genetic diseases; Ocular cystinosis; Juvenile nephropathic cystinosis. Last evaluated: 2019-11-20. Review status: criteria provided, single submitter. Criteria: Invitae Variant Classification Sherloc (09022015). Collection method: clinical testing. Allele origin: germline.
Comment: Algorithms developed to predict the effect of sequence changes on RNA splicing suggest that this variant may disrupt the consensus splice site, but this prediction has not been confirmed by published transcriptional studies. For these reasons, this variant has been classified as Pathogenic. Donor and acceptor splice site variants typically lead to a loss of protein function (PMID: 16199547), and loss-of-function variants in CTNS are known to be pathogenic (PMID: 9537412, 27102039). This variant has been observed in individual(s) with cystinosis (PMID: 12204010). In at least one individual the data is consistent with the variant being in trans (on the opposite chromosome) from a pathogenic variant. This variant is not present in population databases (ExAC no frequency). This sequence change affects a donor splice site in intron 3 of the CTNS gene. It is expected to disrupt RNA splicing and likely results in an absent or disrupted protein product.

Literature cited by the submitters: PubMed 12204010 (cited by Women's Health and Genetics/Laboratory Corporation of America, LabCorp and Labcorp Genetics (formerly Invitae), Labcorp); PubMed 30554218 (cited by Women's Health and Genetics/Laboratory Corporation of America, LabCorp); PubMed 33822926 (cited by Women's Health and Genetics/Laboratory Corporation of America, LabCorp); PubMed 16199547 (cited by Labcorp Genetics (formerly Invitae), Labcorp); PubMed 9537412 (cited by Labcorp Genetics (formerly Invitae), Labcorp); PubMed 27102039 (cited by Labcorp Genetics (formerly Invitae), Labcorp).